The following is an entry in ClinVar:

NM_001166114.2(PNPLA6):c.2260G>C (p.Gly754Arg)

Gene: PNPLA6 (patatin like domain 6, lysophospholipase; plus strand). Cytogenetic location: 19p13.2.
Variant type: single nucleotide variant.
Coding change: c.2260G>C on transcript NM_001166114.2 (MANE Select); coding-DNA position 2260, G replaced by C.
Protein change: p.Gly754Arg; replaces glycine 754 with arginine.
Molecular consequence: missense variant.
Genome position (GRCh38, 1-based): chr19:7,551,437, G>C. VCF-style: chr19-7551437-G-C. GRCh37 (hg19) VCF-style: chr19-7616323-G-C.
Other names: c.2287G>C, p.Ala763Pro (NM_001166111.2); c.2065G>C, p.Gly689Arg (NM_001166112.2); c.2143G>C, p.Ala715Pro (NM_001166113.1, NM_006702.5); short protein forms A715P, A763P, G754R, G689R.
Identifiers: ClinVar variation 2196266 (VCV002196266.4), dbSNP rs1247013636, ClinGen allele CA403125374.

ClinVar aggregate classification (germline): Uncertain significance (1 of 4 stars; one submission).

Conditions:
Hereditary spastic paraplegia 39 (SPG39). Also called: SPASTIC PARAPLEGIA 39, AUTOSOMAL RECESSIVE; Spastic Paraplegia Type 39 (SPG39). Identifiers: Orphanet 139480, MedGen C2677586, MONDO:0012787, OMIM 612020.

Allele frequency attached by ClinVar (database versions not stated): gnomAD exomes below 0.00001.
gnomAD v4.1: 1 of 1,613,578 alleles (0.000062%); highest among the groups gnomAD compares: Non-Finnish European, 0.000085%; no homozygotes.

Submission:

Labcorp Genetics (formerly Invitae), Labcorp
Classification: Uncertain significance for Hereditary spastic paraplegia 39. Last evaluated: 2022-08-12. Review status: criteria provided, single submitter. Criteria: Invitae Variant Classification Sherloc (09022015). Collection method: clinical testing. Allele origin: germline.
Comment: In summary, the available evidence is currently insufficient to determine the role of this variant in disease. Therefore, it has been classified as a Variant of Uncertain Significance. Variants that disrupt the consensus splice site are a relatively common cause of aberrant splicing (PMID: 17576681, 9536098). Algorithms developed to predict the effect of sequence changes on RNA splicing suggest that this variant may disrupt the consensus splice site. This sequence change replaces alanine, which is neutral and non-polar, with proline, which is neutral and non-polar, at codon 715 of the PNPLA6 protein (p.Ala715Pro). This variant also falls at the last nucleotide of exon 21, which is part of the consensus splice site for this exon. This variant is present in population databases (no rsID available, gnomAD 0.0009%). This variant has not been reported in the literature in individuals affected with PNPLA6-related conditions. Algorithms developed to predict the effect of missense changes on protein structure and function (SIFT, PolyPhen-2, Align-GVGD) all suggest that this variant is likely to be tolerated.

Literature cited by the submitters: PubMed 17576681; PubMed 9536098.